The following is an entry in ClinVar:

NM_004204.5(PIGQ):c.733_734del (p.Ser245fs)

Gene: PIGQ (phosphatidylinositol glycan anchor biosynthesis class Q; plus strand). Cytogenetic location: 16p13.3.
Variant type: Microsatellite.
Coding change: c.733_734del on transcript NM_004204.5 (MANE Select); coding-DNA positions 733 to 734, 2 bases deleted (TC; older notation c.733_734delTC).
Protein change: p.Ser245fs; shifts the reading frame from serine 245.
Molecular consequence: frameshift variant.
Genome position (GRCh38, 1-based): chr16:575,882-575,883, TC deleted; deleting any 2 consecutive bases within chr16:575,879-575,883 gives the same sequence; the c. name uses the placement nearest the transcript's 3' end. VCF-style (leftmost placement, unchanged base first): chr16-575878-ACT-A. GRCh37 (hg19) VCF-style: chr16-625878-ACT-A.
Other names: c.733_734del, p.Ser245fs (NM_148920.4); short protein forms S245fs.
Identifiers: ClinVar variation 1453534 (VCV001453534.6), dbSNP rs780581800, ClinGen allele CA7779959.

ClinVar aggregate classification (germline): Pathogenic (1 of 4 stars; one submission).

Conditions:
Epilepsy. Also called: Seizure disorder. Identifiers: MedGen C0014544, MeSH D004827, MONDO:0005027.

Submission:

Labcorp Genetics (formerly Invitae), Labcorp
Classification: Pathogenic for Epilepsy. Last evaluated: 2025-06-23. Review status: criteria provided, single submitter. Criteria: Invitae Variant Classification Sherloc (09022015). Collection method: clinical testing. Allele origin: germline.
Comment: This sequence change creates a premature translational stop signal (p.Ser245Hisfs*69) in the PIGQ gene. It is expected to result in an absent or disrupted protein product. Loss-of-function variants in PIGQ are known to be pathogenic (PMID: 24463883, 25558065). This variant is present in population databases (rs780581800, gnomAD 0.004%). This variant has not been reported in the literature in individuals affected with PIGQ-related conditions. For these reasons, this variant has been classified as Pathogenic.

Literature cited by the submitters: PubMed 24463883; PubMed 25558065.